The following is an entry in ClinVar:

ClinVar aggregate classification (germline): Conflicting classifications of pathogenicity. Review status: criteria provided, conflicting classifications (1 of 4 stars). 9 submissions from 9 submitters: Uncertain significance (7); Likely benign (2). Last evaluated 2025-10-09.

Conditions:
Hereditary breast ovarian cancer syndrome. Also called: Hereditary breast and ovarian cancer syndrome; Hereditary breast and ovarian cancer syndrome (HBOC); BRCA1- and BRCA2-Associated Hereditary Breast and Ovarian Cancer; Breast and ovarian cancer; Hereditary breast and ovarian cancer; Hereditary breast and/or ovarian cancer syndrome. Identifiers: Orphanet 145, MedGen C0677776, MeSH D061325, MONDO:0003582. Disease mechanism: loss of function.
Breast-ovarian cancer, familial, susceptibility to, 1 (BROVCA1). Also called: OVARIAN CANCER, SUSCEPTIBILITY TO; BRCA1 Hereditary Breast and Ovarian Cancer. Identifiers: Orphanet 145, MedGen C2676676, MONDO:0011450, OMIM 604370. Disease mechanism: loss of function.
Hereditary cancer-predisposing syndrome. Also called: Hereditary Cancer Syndrome; Hereditary neoplastic syndrome; Tumor predisposition; Neoplastic Syndromes, Hereditary. Identifiers: Orphanet 140162, MedGen C0027672, MeSH D009386, MONDO:0015356.

Allele frequency attached by ClinVar (database versions not stated): TOPMed below 0.00001; ExAC 0.00001; gnomAD exomes 0.00001.

Submissions (10):

Labcorp Genetics (formerly Invitae), Labcorp
Classification: Uncertain significance for Hereditary breast ovarian cancer syndrome. Last evaluated: 2025-10-09. Review status: criteria provided, single submitter. Criteria: Invitae Variant Classification Sherloc (09022015). Collection method: clinical testing. Allele origin: germline.
Comment: This sequence change replaces threonine, which is neutral and polar, with isoleucine, which is neutral and non-polar, at codon 1834 of the BRCA1 protein (p.Thr1834Ile). This variant is present in population databases (rs730881500, gnomAD 0.01%). This variant has not been reported in the literature in individuals affected with BRCA1-related conditions. ClinVar contains an entry for this variant (Variation ID: 182171). Invitae Evidence Modeling incorporating data from in vitro experimental studies (PMID: 30209399) indicates that this missense variant is not expected to disrupt BRCA1 function with a negative predictive value of 95%. Experimental studies have shown that this missense change does not substantially affect BRCA1 function (PMID: 30209399). In summary, the available evidence is currently insufficient to determine the role of this variant in disease. Therefore, it has been classified as a Variant of Uncertain Significance.

Quest Diagnostics Nichols Institute San Juan Capistrano
Classification: Uncertain significance. Last evaluated: 2025-07-15. Review status: criteria provided, single submitter. Criteria: Quest Diagnostics criteria. Collection method: clinical testing. Allele origin: unknown.
Comment: The BRCA1 c.5501C>T (p.Thr1834Ile) variant has been reported in the published literature in an individual undergoing multigene panel testing (PMID: 31853058 (2020)). This variant has also been reported as a somatic variant in an individual with triple negative breast cancer (PMID: 24356096 (2014)). One study showed this variant apparently retained functional activity in a large-scale study using a haploid cell line (PMID: 30209399 (2018)). The frequency of this variant in the general population (Genome Aggregation Database) is uninformative in the assessment of its pathogenicity. Analysis of this variant using bioinformatics tools for the prediction of the effect of amino acid changes on protein structure and function yielded conflicting predictions that this variant is benign or damaging. Based on the available information, we are unable to determine the clinical significance of this variant.

Women's Health and Genetics/Laboratory Corporation of America, LabCorp
Classification: Uncertain significance. Last evaluated: 2024-12-31. Review status: criteria provided, single submitter. Criteria: LabCorp Variant Classification Summary - May 2015. Collection method: clinical testing. Allele origin: germline.
Comment: Variant summary: BRCA1 c.5501C>T (p.Thr1834Ile) results in a non-conservative amino acid change located in the BRCT domain (IPR001357) of the encoded protein sequence. Four of five in-silico tools predict a damaging effect of the variant on protein function. The variant allele was found at a frequency of 8e-06 in 251252 control chromosomes. The available data on variant occurrences in the general population are insufficient to allow any conclusion about variant significance. To our knowledge, no occurrence of c.5501C>T in individuals affected with Hereditary Breast And Ovarian Cancer Syndrome has been reported. At least one functional study reports experimental evidence evaluating an impact on protein function and showed no damaging effect of this variant on homology directed repair (HDR) activity (Findlay_2018). HDR assays qualify as a recognized gold standard on the basis of updated guidance provided by the ClinGen Sequence Variant Interpretation (SVI) working group (Tavtigian_2018). The following publication have been ascertained in the context of this evaluation (PMID: 30209399). ClinVar contains an entry for this variant (Variation ID: 182171). Based on the evidence outlined above, the variant was classified as VUS-possibly benign.

Lupski Lab, Baylor-Hopkins CMG, Baylor College of Medicine
Classification: Likely benign for Breast-ovarian cancer, familial, susceptibility to, 1. Last evaluated: 2024-04-12. Review status: criteria provided, single submitter. Criteria: Dawood et al. (medRxiv. 2024). Collection method: curation. Allele origin: germline.
Comment: Each variant was annotated with functional scores from MAVE data which was translated into functional evidence codes. All other evidence codes and combining criteria were adhered to as closely as possible based on the ClinGen VCEP (Variant Curation Expert Panel) gene-specific recommendations. See Supplemental Figure 34 of final paper (Supp Fig. 28 in preprint: doi:10.1101/2024.04.11.24305690) for a table to see which lines of evidence we did not have data for. The ClinGen VCEPs are highly regarded as the gold-standard for gene-specific variant curation and are developed after extensive evaluation of the evidence by clinical and scientific experts for the particular gene to classify genomic variants on a spectrum from pathogenic to benign using the 2015 ACMG/AMP Variant Interpretation Guidelines as a backbone (PMID: 25741868). Reclassification of these VUS variants from gnomAD or All of Us focused only on variants originally prescribed as VUS in ClinVar. To ensure reproducibility, transparency, and increased throughput, all the procedures for annotating variants and assigning evidence codes were codified using Python. All code has been made freely available and is linked in the Code Availability section and all reclassified variants with evidence codes used can be found in Tables S18-19 (preprint: doi:10.1101/2024.04.11.24305690). For the MAVE data, the clinical curation and clinical strength assignment as per the ClinGen recommendations in Brnich et al. (2020) (PMID: 31892348) for or against pathogenicity or benignity of each of these MAVE datasets utilized in this study were previously published in Fayer et al. (2021) (PMID: 34793697).In brief, for BRCA1 variants, if a variant was categorized as FUNC (functional), it was assigned BS3 evidence and no PS3 evidence, whereas if it was categorized as LOF (loss of function), the variant was assigned PS3 evidence and no BS3 evidence. Variants categorized as INT (intermediate) were left unannotated. For the BRCA1 combining criteria, greater than or equal to 1 criteria of strong benign evidence was enough to reclassify the VUS as Likely Benign. This variant GRCh38:17:43045769:G>A was assigned evidence codes ['BS3'] and an overall classification of Likely benign

Baylor Genetics
Classification: Uncertain significance for Breast-ovarian cancer, familial, susceptibility to, 1. Last evaluated: 2024-03-01. Review status: criteria provided, single submitter. Criteria: ACMG Guidelines, 2015. Collection method: clinical testing. Allele origin: unknown.

GeneDx
Classification: Uncertain significance. Last evaluated: 2023-08-22. Review status: criteria provided, single submitter. Criteria: GeneDx Variant Classification Process June 2021. Collection method: clinical testing. Allele origin: germline. Affected: yes.
Comment: Published functional studies demonstrate no damaging effect: classified as functional based on a cell survival assay (Findlay et al., 2018); Observed in individuals undergoing multi-gene panel testing due to a personal and/or family history of cancer (Li et al., 2020); In silico analysis supports that this missense variant has a deleterious effect on protein structure/function; Also known as 5620C>T; This variant is associated with the following publications: (PMID: 30209399, 31853058, 27742776, 24356096, 25348405, 29884841, 32377563)

Color Diagnostics, LLC DBA Color Health
Classification: Uncertain significance for Hereditary cancer-predisposing syndrome. Last evaluated: 2022-12-27. Review status: criteria provided, single submitter. Criteria: ACMG Guidelines, 2015. Collection method: clinical testing. Allele origin: germline.
Comment: This missense variant replaces threonine with isoleucine at codon 1834 of the BRCA1 protein. Computational prediction is inconclusive regarding the impact of this variant on protein structure and function (internally defined REVEL score threshold 0.5 < inconclusive < 0.7, PMID: 27666373). A functional study found that this variant has a neutral effect in a haploid cell proliferation assay (PMID: 30219179). This variant has been reported in an individual affected with breast cancer (PMID: 24356096). This variant has been identified in 2/251252 chromosomes in the general population by the Genome Aggregation Database (gnomAD). The available evidence is insufficient to determine the role of this variant in disease conclusively. Therefore, this variant is classified as a Variant of Uncertain Significance.

Sema4
Classification: Uncertain significance for Hereditary cancer-predisposing syndrome. Last evaluated: 2021-12-22. Review status: criteria provided, single submitter. Criteria: Sema4 Curation Guidelines. Collection method: curation. Allele origin: germline.
Comment: To the best of our knowledge, the BRCA1 c.5501C>T (p.T834I) variant has not been reported in individuals with BRCA1-related disease. A cell survival study demonstrated the normal function of the protein (PMID: 30209399). It was observed in 2/18394 chromosomes of the East Asian subpopulation in the large and broad cohorts of the Genome Aggregation Database (PMID: 32461654). The variant has been reported in ClinVar (Variation ID 182171). Functional studies have not been performed, and in silico predictions of the variant's effect on protein function are inconclusive. The evidence is insufficient to meet ACMG/AMP criteria for classifying the variant as benign or pathogenic. Thus, the clinical significance of this variant is currently uncertain.

Ambry Genetics
Classification: Likely benign for Hereditary cancer-predisposing syndrome. Last evaluated: 2021-10-06. Review status: criteria provided, single submitter. Criteria: Ambry Variant Classification Scheme 2023. Collection method: clinical testing. Allele origin: germline.

Brotman Baty Institute, University of Washington
No classification provided (evidence only). Condition: Breast-ovarian cancer, familial 1. Review status: no classification provided. Collection method: in vitro. Allele origin: not applicable. Functional consequence: functionally_normal. Not counted in ClinVar's aggregate classification.
ClinVar note: "not provided" was previously submitted as the classification for the variant. However, the classification appeared to be based only on an observation of functional data so it was converted to no classification on 2025-07-30.

Literature cited by the submitters: PubMed 30209399 (cited by 5 submitters); PubMed 24356096 (cited by 3 submitters); PubMed 31853058 (cited by Quest Diagnostics Nichols Institute San Juan Capistrano); PubMed 39142283 (cited by Lupski Lab, Baylor-Hopkins CMG, Baylor College of Medicine); PubMed 34793697 (cited by Lupski Lab, Baylor-Hopkins CMG, Baylor College of Medicine); DOI 10.1101/2024.04.11.24305690 (cited by Lupski Lab, Baylor-Hopkins CMG, Baylor College of Medicine); PubMed 30219179 (cited by Color Diagnostics, LLC DBA Color Health).

NM_007294.4(BRCA1):c.5501C>T (p.Thr1834Ile)

Gene: BRCA1 (BRCA1 DNA repair associated; minus strand). Cytogenetic location: 17q21.31.
Variant type: single nucleotide variant.
Coding change: c.5501C>T on transcript NM_007294.4 (MANE Select); coding-DNA position 5501, C replaced by T.
Protein change: p.Thr1834Ile; replaces threonine 1834 with isoleucine.
Molecular consequence: missense variant. On other transcripts: 3 prime UTR variant (1), non-coding transcript variant (1).
Genome position (GRCh38, 1-based): chr17:43,045,769, G>A on the plus strand (C>T on the coding strand, the complement: BRCA1 is on the minus strand). VCF-style: chr17-43045769-G-A. GRCh37 (hg19) VCF-style: chr17-41197786-G-A.
Other names: p.T1834I:ACC>ATC; c.5288C>T, p.Thr1763Ile (NM_001407571.1, NM_001407894.1, NM_001407895.1 and 12 more transcripts); c.5567C>T, p.Thr1856Ile (NM_001407581.1, NM_001407582.1); c.5564C>T, p.Thr1855Ile (NM_001407583.1, NM_001407585.1, NM_001407587.1 and 1 more transcripts); c.5561C>T, p.Thr1854Ile (NM_001407590.1, NM_001407591.1); c.5501C>T, p.Thr1834Ile (NM_001407593.1, NM_001407594.1, NM_001407596.1 and 5 more transcripts); c.5498C>T, p.Thr1833Ile (NM_001407619.1, NM_001407620.1, NM_001407621.1 and 14 more transcripts); c.5162C>T, p.Thr1721Ile (NM_001407956.1, NM_001407957.1, NM_001407958.1); and 75 more; short protein forms T1834I, T730I, T1787I, T1855I, T664I, T691I, T692I, T705I.
Identifiers: ClinVar variation 182171 (VCV000182171.33), dbSNP rs730881500, ClinGen allele CA003671.
Genomic context (GRCh38, chr17:43,045,769, plus strand): 5'-AGGTAGGTGTCCAGCTCCTGGCACTGGTAGAGTGCTACACTGTCCAACACCCACTCTCGG[G>A]TCACCACAGGTGCCTCACACATCTGCCCAATTGCTGGAGACAGAGAACACAAGCAGAGAT-3'
Protein context (NP_009225.1, residues 1824-1844): IGQMCEAPVV[Thr1834Ile]REWVLDSVAL